The following is an entry in ClinVar:

NM_015272.5(RPGRIP1L):c.505G>C (p.Gly169Arg)

Gene: RPGRIP1L (RPGRIP1 like; minus strand). Cytogenetic location: 16q12.2.
Variant type: single nucleotide variant.
Coding change: c.505G>C on transcript NM_015272.5 (MANE Select); coding-DNA position 505, G replaced by C.
Protein change: p.Gly169Arg; replaces glycine 169 with arginine.
Molecular consequence: missense variant.
Genome position (GRCh38, 1-based): chr16:53,692,090, C>G on the plus strand (G>C on the coding strand, the complement: RPGRIP1L is on the minus strand). VCF-style: chr16-53692090-C-G. GRCh37 (hg19) VCF-style: chr16-53726002-C-G.
Other names: c.505G>C, p.Gly169Arg (NM_001127897.4, NM_001308334.3, NM_001330538.2); short protein forms G169R.
Identifiers: ClinVar variation 1993124 (VCV001993124.4), dbSNP rs1310789427, ClinGen allele CA395924663.

ClinVar aggregate classification (germline): Uncertain significance (1 of 4 stars; one submission).

Conditions:
Joubert syndrome. Also called: CEREBELLOPARENCHYMAL DISORDER IV; JOUBERT-BOLTSHAUSER SYNDROME; Familial aplasia of the vermis. Identifiers: Orphanet 475, MedGen C5979921, MONDO:0018772.
Meckel-Gruber syndrome. Also called: DYSENCEPHALIA SPLANCHNOCYSTICA; GRUBER SYNDROME; Dysencephalia splachnocystica. Identifiers: Orphanet 564, MedGen C0265215, MONDO:0018921.

Submission:

Labcorp Genetics (formerly Invitae), Labcorp
Classification: Uncertain significance for Joubert syndrome; Meckel-Gruber syndrome. Last evaluated: 2022-05-11. Review status: criteria provided, single submitter. Criteria: Invitae Variant Classification Sherloc (09022015). Collection method: clinical testing. Allele origin: germline.
Comment: This sequence change replaces glycine, which is neutral and non-polar, with arginine, which is basic and polar, at codon 169 of the RPGRIP1L protein (p.Gly169Arg). This variant is not present in population databases (gnomAD no frequency). This variant has not been reported in the literature in individuals affected with RPGRIP1L-related conditions. Algorithms developed to predict the effect of missense changes on protein structure and function (SIFT, PolyPhen-2, Align-GVGD) all suggest that this variant is likely to be tolerated. In summary, the available evidence is currently insufficient to determine the role of this variant in disease. Therefore, it has been classified as a Variant of Uncertain Significance.